The following is an entry in ClinVar:

NM_022124.6(CDH23):c.9670C>T (p.Arg3224Trp)

Gene: CDH23 (cadherin related 23; plus strand). Cytogenetic location: 10q22.1.
Variant type: single nucleotide variant.
Coding change: c.9670C>T on transcript NM_022124.6 (MANE Select); coding-DNA position 9670, C replaced by T.
Protein change: p.Arg3224Trp; replaces arginine 3224 with tryptophan.
Molecular consequence: missense variant. On other transcripts: intron variant (2).
Genome position (GRCh38, 1-based): chr10:71,813,280, C>T. VCF-style: chr10-71813280-C-T. GRCh37 (hg19) VCF-style: chr10-73573037-C-T.
Other names: c.2950C>T, p.Arg984Trp (NM_001171933.1); c.361C>T, p.Arg121Trp (NM_001171935.1); c.2913+390C>T (NM_001171934.1); c.324+390C>T (NM_001171936.1); short protein forms R3224W, R121W, R984W.
Identifiers: ClinVar variation 46078 (VCV000046078.45), dbSNP rs111033457, ClinGen allele CA137645.

ClinVar aggregate classification (germline): Conflicting classifications of pathogenicity. Review status: criteria provided, conflicting classifications (1 of 4 stars). 15 submissions from 14 submitters: Uncertain significance (6); Benign (1); Likely benign (4). 4 of the submissions do not count toward it. Last evaluated 2026-02-01.

Conditions:
CDH23-related disorder. Also called: CDH23-related condition; CDH23-related disorders.
Retinal dystrophy. Also called: Inherited retinal dystrophy. Identifiers: Orphanet 71862, MedGen C0854723, MeSH D058499, MONDO:0019118, HP:0000556.
Usher syndrome type 1 (USH1). Also called: RETINITIS PIGMENTOSA AND CONGENITAL DEAFNESS. Identifiers: Orphanet 231169, Orphanet 886, MedGen C1568247, MONDO:0010168, OMIM 276900.
Usher syndrome type 1D (USH1D). Also called: USHER SYNDROME, TYPE ID. Identifiers: Orphanet 231169, Orphanet 886, MedGen C1832845, MONDO:0010984, OMIM 601067.
Autosomal recessive nonsyndromic hearing loss 12. Also called: DEAFNESS, AUTOSOMAL RECESSIVE 12. Identifiers: Orphanet 90636, MedGen C1832394, MONDO:0011067, OMIM 601386.

Allele frequency attached by ClinVar (database versions not stated): 1000 Genomes Project 30x 0.00016; ESP Exome Variant Server 0.00031; ExAC 0.00039; TOPMed 0.00076; gnomAD exomes 0.00084; gnomAD 0.00103 and 0.00106.
gnomAD v4.1: 1,659 of 1,551,642 alleles (0.11%); highest among the groups gnomAD compares: Non-Finnish European, 0.13%; 5 homozygotes.

Submissions (15):

CeGaT Center for Human Genetics Tuebingen
Classification: Likely benign. Last evaluated: 2026-02-01. Review status: criteria provided, single submitter. Criteria: CeGaT Center For Human Genetics Tuebingen Variant Classification Criteria Version 2. Collection method: clinical testing. Allele origin: germline. Affected: yes. Observed: 3 variant alleles.
Comment: CDH23: PP3, BS2

Labcorp Genetics (formerly Invitae), Labcorp
Classification: Likely benign. Last evaluated: 2026-01-26. Review status: criteria provided, single submitter. Criteria: Invitae Variant Classification Sherloc (09022015). Collection method: clinical testing. Allele origin: germline.

PreventionGenetics, part of Exact Sciences
Classification: Likely benign for CDH23-related condition. Last evaluated: 2025-03-12. Review status: criteria provided, single submitter. Criteria: ACMG Guidelines, 2015. Collection method: clinical testing. Allele origin: germline.
Comment: This variant is classified as likely benign based on ACMG/AMP sequence variant interpretation guidelines (Richards et al. 2015 PMID: 25741868, with internal and published modifications).

Blueprint Genetics
Classification: Likely benign. Last evaluated: 2024-10-31. Review status: criteria provided, single submitter. Criteria: ACMG Guidelines, 2015. Collection method: clinical testing. Allele origin: germline.

Institute of Human Genetics, Univ. Regensburg, Univ. Regensburg
Classification: Uncertain significance for Retinal dystrophy. Last evaluated: 2023-01-01. Review status: criteria provided, single submitter. Criteria: ACMG Guidelines, 2015. Collection method: clinical testing. Allele origin: germline. Affected: yes.

GeneDx
Classification: Uncertain significance. Last evaluated: 2021-05-04. Review status: criteria provided, single submitter. Criteria: GeneDx Variant Classification Process June 2021. Collection method: clinical testing. Allele origin: germline. Affected: yes.
Comment: Observed in unrelated patients with idiopathic posterior uveitis and POHS in published literature (Li et al., 2021); In silico analysis supports that this missense variant does not alter protein structure/function; This variant is associated with the following publications: (PMID: 32707200)

Athena Diagnostics
Classification: Benign. Last evaluated: 2019-11-26. Review status: criteria provided, single submitter. Criteria: Athena Diagnostics Criteria. Collection method: clinical testing. Allele origin: unknown.

Laboratory for Molecular Medicine, Mass General Brigham Personalized Medicine
Classification: Uncertain significance. Last evaluated: 2018-10-10. Review status: criteria provided, single submitter. Criteria: LMM Criteria. Collection method: clinical testing. Allele origin: germline. Observed: 3 variant alleles.
Comment: Variant classified as Uncertain Significance - Favor Benign. The p.Arg3224Trp va riant in CDH23 has been identified by our laboratory in 2 individuals with heari ng loss; however, it did not segregate with disease in an affected sibling. This variant has also been identified in 0.18% (132/72638) of European chromosomes, including 1 homozygote, by gnomAD. This varia nt has also been reported in ClinVar (Variation ID 46078). Computational predict ion tools and conservation analysis do not provide strong support for or against an impact to the protein. In summary, while the clinical significance of the p. Arg3224Trp variant is uncertain, these data suggest that it is more likely to be benign. ACMG/AMP Criteria applied: BS1_Supporting.

Illumina Laboratory Services, Illumina
Classification: Uncertain significance for Autosomal recessive nonsyndromic hearing loss 12. Last evaluated: 2018-01-12. Review status: criteria provided, single submitter. Criteria: ICSL Variant Classification Criteria 13 December 2019. Collection method: clinical testing. Allele origin: germline.

Illumina Laboratory Services, Illumina
Classification: Uncertain significance for Usher syndrome type 1D. Last evaluated: 2018-01-12. Review status: criteria provided, single submitter. Criteria: ICSL Variant Classification Criteria 13 December 2019. Collection method: clinical testing. Allele origin: germline.

Eurofins Ntd Llc (ga)
Classification: Uncertain significance. Last evaluated: 2015-10-28. Review status: criteria provided, single submitter. Criteria: EGL Classification Definitions 2015. Collection method: clinical testing. Allele origin: germline. Observed: 1 variant allele, 1 heterozygote.

Natera, Inc.
Classification: Uncertain significance for Usher syndrome type 1. Last evaluated: 2020-04-17. Review status: no assertion criteria provided. Collection method: clinical testing. Allele origin: germline. Not counted in ClinVar's aggregate classification.

Clinical Genetics DNA and cytogenetics Diagnostics Lab, Erasmus MC, Erasmus Medical Center
Classification: Uncertain significance. Review status: no assertion criteria provided. Collection method: clinical testing. Allele origin: germline. Affected: yes. Study: VKGL Data-share Consensus. Not counted in ClinVar's aggregate classification.

Joint Genome Diagnostic Labs from Nijmegen and Maastricht, Radboudumc and MUMC+
Classification: Uncertain significance. Review status: no assertion criteria provided. Collection method: clinical testing. Allele origin: germline. Affected: yes. Study: VKGL Data-share Consensus. Not counted in ClinVar's aggregate classification.

Laboratory of Diagnostic Genome Analysis, Leiden University Medical Center (LUMC)
Classification: Uncertain significance. Review status: no assertion criteria provided. Collection method: clinical testing. Allele origin: germline. Affected: yes. Study: VKGL Data-share Consensus. Not counted in ClinVar's aggregate classification.

Literature cited by the submitters: PubMed 32707200 (cited by Institute of Human Genetics, Univ. Regensburg, Univ. Regensburg).